The following is an entry in ClinVar:

NM_203446.3(SYNJ1):c.2663T>G (p.Val888Gly)

Gene: SYNJ1 (synaptojanin 1; minus strand). Cytogenetic location: 21q22.11.
Variant type: single nucleotide variant.
Coding change: c.2663T>G on transcript NM_203446.3 (MANE Select); coding-DNA position 2663, T replaced by G.
Protein change: p.Val888Gly; replaces valine 888 with glycine.
Molecular consequence: missense variant.
Genome position (GRCh38, 1-based): chr21:32,656,819, A>C on the plus strand (T>G on the coding strand, the complement: SYNJ1 is on the minus strand). VCF-style: chr21-32656819-A-C. GRCh37 (hg19) VCF-style: chr21-34029129-A-C.
Other names: c.2663T>G, p.Val888Gly (NM_001160302.2); c.2648T>G, p.Val883Gly (NM_001160306.2); c.2780T>G, p.Val927Gly (NM_003895.4); short protein forms V888G, V883G, V927G.
Identifiers: ClinVar variation 1432013 (VCV001432013.5), dbSNP rs2040474456, ClinGen allele CA410073773.
Genomic context (GRCh38, chr21:32,656,819, plus strand): 5'-TTATTTTCTGGTAAAGAACTTTTGATTGAGACCAATACTGTACCATCTGGTGGACCCTGA[A>C]CTGCAATTACTTCTTTATAAATGTTTTGCCTCTCTTCAGCTTCAACTTCAAATATATCTA-3'
Protein context (NP_982271.3, residues 878-898): RQNIYKEVIA[Val888Gly]QGPPDGTVLV

ClinVar aggregate classification (germline): Uncertain significance (1 of 4 stars; one submission).

Conditions:
Developmental and epileptic encephalopathy, 53. Also called: Epileptic encephalopathy, early infantile, 53. Identifiers: MedGen C4479313, MONDO:0033362, OMIM 617389.
Early-onset Parkinson disease 20. Also called: PARKINSON DISEASE 20, AUTOSOMAL RECESSIVE EARLY-ONSET. Identifiers: Orphanet 391411, MedGen C3809824, MONDO:0014233, OMIM 615530.

gnomAD v4.1: 1 of 1,614,068 alleles (0.000062%); highest among the groups gnomAD compares: Admixed American, 0.0017%; no homozygotes.

Submission:

Labcorp Genetics (formerly Invitae), Labcorp
Classification: Uncertain significance for Developmental and epileptic encephalopathy, 53; Early-onset Parkinson disease 20. Last evaluated: 2024-10-24. Review status: criteria provided, single submitter. Criteria: Invitae Variant Classification Sherloc (09022015). Collection method: clinical testing. Allele origin: germline.
Comment: This sequence change replaces valine, which is neutral and non-polar, with glycine, which is neutral and non-polar, at codon 927 of the SYNJ1 protein (p.Val927Gly). This variant is not present in population databases (gnomAD no frequency). This variant has not been reported in the literature in individuals affected with SYNJ1-related conditions. ClinVar contains an entry for this variant (Variation ID: 1432013). Invitae Evidence Modeling of protein sequence and biophysical properties (such as structural, functional, and spatial information, amino acid conservation, physicochemical variation, residue mobility, and thermodynamic stability) indicates that this missense variant is not expected to disrupt SYNJ1 protein function with a negative predictive value of 80%. In summary, the available evidence is currently insufficient to determine the role of this variant in disease. Therefore, it has been classified as a Variant of Uncertain Significance.